The following is an entry in ClinVar:

NM_004415.4(DSP):c.726+5T>G

Gene: DSP (desmoplakin; plus strand). Cytogenetic location: 6p24.3.
Variant type: single nucleotide variant.
Coding change: c.726+5T>G on transcript NM_004415.4 (MANE Select); 5 bases into the intron after coding-DNA position 726, T replaced by G.
Molecular consequence: intron variant.
Genome position (GRCh38, 1-based): chr6:7,562,785, T>G. VCF-style: chr6-7562785-T-G. GRCh37 (hg19) VCF-style: chr6-7563018-T-G.
Other names: c.726+5T>G (NM_001319034.2, NM_001008844.3, NM_001406591.1).
Identifiers: ClinVar variation 2934677 (VCV002934677.4), dbSNP rs1380398818, ClinGen allele CA565101355.

ClinVar aggregate classification (germline): Uncertain significance. Review status: criteria provided, multiple submitters, no conflicts (2 of 4 stars). 2 submissions from 2 submitters: Uncertain significance (2). Last evaluated 2024-04-22.

Conditions:
Arrhythmogenic cardiomyopathy with wooly hair and keratoderma. Also called: Arrhythmogenic cardiomyopathy with woolly hair and keratoderma; PALMOPLANTAR KERATODERMA WITH LEFT VENTRICULAR CARDIOMYOPATHY AND WOOLLY HAIR; Carvajal syndrome; Dilated cardiomyopathy with woolly hair and keratoderma. Identifiers: Orphanet 65282, MedGen C1854063, MONDO:0011581, OMIM 605676.
Arrhythmogenic right ventricular dysplasia 8 (ARVD8). Also called: Arrhythmogenic Right Ventricular Dysplasia/Cardiomyopathy 8; ARRHYTHMOGENIC RIGHT VENTRICULAR DYSPLASIA, FAMILIAL, 8; ARRHYTHMOGENIC RIGHT VENTRICULAR CARDIOMYOPATHY 8. Identifiers: MedGen C1843896, MONDO:0011831, OMIM 607450.

Allele frequency attached by ClinVar (database versions not stated): gnomAD 0.00001.

Submissions (2):

Labcorp Genetics (formerly Invitae), Labcorp
Classification: Uncertain significance for Arrhythmogenic cardiomyopathy with wooly hair and keratoderma; Arrhythmogenic right ventricular dysplasia 8. Last evaluated: 2024-04-22. Review status: criteria provided, single submitter. Criteria: Invitae Variant Classification Sherloc (09022015). Collection method: clinical testing. Allele origin: germline.
Comment: This sequence change falls in intron 5 of the DSP gene. It does not directly change the encoded amino acid sequence of the DSP protein. It affects a nucleotide within the consensus splice site. This variant is present in population databases (no rsID available, gnomAD 0.01%). This variant has not been reported in the literature in individuals affected with DSP-related conditions. Variants that disrupt the consensus splice site are a relatively common cause of aberrant splicing (PMID: 17576681, 9536098). Algorithms developed to predict the effect of sequence changes on RNA splicing suggest that this variant is not likely to affect RNA splicing. In summary, the available evidence is currently insufficient to determine the role of this variant in disease. Therefore, it has been classified as a Variant of Uncertain Significance.

All of Us Research Program, National Institutes of Health
Classification: Uncertain significance for Arrhythmogenic cardiomyopathy with wooly hair and keratoderma. Last evaluated: 2023-11-20. Review status: criteria provided, single submitter. Criteria: ACMG Guidelines, 2015. Collection method: clinical testing. Allele origin: germline. Inheritance: Autosomal dominant inheritance. Observed: 1 variant allele, 1 heterozygote.
Comment: This variant causes a T to G nucleotide substitution at the +5 position of intron 5 of the DSP gene. To our knowledge, functional studies have not been reported for this variant. This variant has not been reported in individuals affected with cardiovascular disorders in the literature. This variant has been identified in 1/31404 chromosomes in the general population by the Genome Aggregation Database (gnomAD). The available evidence is insufficient to determine the role of this variant in disease conclusively. Therefore, this variant is classified as a Variant of Uncertain Significance.

This study involves interpretation of variants in research participants for the purpose of population health screening. Participant phenotype was not available at the time of variant classification. Additional details can be found in publication PMID: 35346344, PMCID: PMC8962531

Literature cited by the submitters: PubMed 17576681 (cited by Labcorp Genetics (formerly Invitae), Labcorp); PubMed 9536098 (cited by Labcorp Genetics (formerly Invitae), Labcorp).